The following is an entry in ClinVar:

ClinVar aggregate classification (germline): Uncertain significance (1 of 4 stars; one submission).

Conditions:
Hereditary cancer-predisposing syndrome. Also called: Hereditary Cancer Syndrome; Neoplastic Syndromes, Hereditary; Tumor predisposition; Hereditary neoplastic syndrome. Identifiers: Orphanet 140162, MedGen C0027672, MeSH D009386, MONDO:0015356.

Allele frequency attached by ClinVar (database versions not stated): gnomAD exomes below 0.00001.
gnomAD v4.1: 1 of 1,614,108 alleles (0.000062%); highest among the groups gnomAD compares: Non-Finnish European, 0.000085%; no homozygotes.

Submission:

Ambry Genetics
Classification: Uncertain significance for Hereditary cancer-predisposing syndrome. Last evaluated: 2021-12-29. Review status: criteria provided, single submitter. Criteria: Ambry Variant Classification Scheme 2023. Collection method: clinical testing. Allele origin: germline.
Comment: The p.N1742T variant (also known as c.5225A>C), located in coding exon 23 of the DICER1 gene, results from an A to C substitution at nucleotide position 5225. The asparagine at codon 1742 is replaced by threonine, an amino acid with similar properties. This amino acid position is highly conserved in available vertebrate species. In addition, the in silico prediction for this alteration is inconclusive. Since supporting evidence is limited at this time, the clinical significance of this alteration remains unclear.

NM_177438.3(DICER1):c.5225A>C (p.Asn1742Thr)

Gene: DICER1 (dicer 1, ribonuclease III; minus strand). Cytogenetic location: 14q32.13.
Variant type: single nucleotide variant.
Coding change: c.5225A>C on transcript NM_177438.3 (MANE Select); coding-DNA position 5225, A replaced by C.
Protein change: p.Asn1742Thr; replaces asparagine 1742 with threonine.
Molecular consequence: missense variant. On other transcripts: non-coding transcript variant (6).
Genome position (GRCh38, 1-based): chr14:95,094,027, T>G on the plus strand (A>C on the coding strand, the complement: DICER1 is on the minus strand). VCF-style: chr14-95094027-T-G. GRCh37 (hg19) VCF-style: chr14-95560364-T-G.
Other names: c.5225A>C, p.Asn1742Thr (NM_001195573.1, NM_001271282.3, NM_001291628.2 and 9 more transcripts); c.4943A>C, p.Asn1648Thr (NM_001395686.1); c.4820A>C, p.Asn1607Thr (NM_001395687.1, NM_001395688.1, NM_001395689.1 and 1 more transcripts); c.4658A>C, p.Asn1553Thr (NM_001395691.1); c.3542A>C, p.Asn1181Thr (NM_001395697.1); short protein forms N1181T, N1742T, N1553T, N1607T, N1648T.
Identifiers: ClinVar variation 1746172 (VCV001746172.2), dbSNP rs2139813166, ClinGen allele CA390865178.